The following is an entry in ClinVar:

ClinVar aggregate classification (germline): Likely benign (0 of 4 stars; one submission).

Conditions:
KNL1-related disorder. Also called: KNL1-related condition.

Allele frequency attached by ClinVar (database versions not stated): gnomAD exomes 0.00001; ExAC 0.00003; gnomAD 0.00003; TOPMed 0.00003.
gnomAD v4.1: 25 of 1,613,800 alleles (0.0015%); highest among the groups gnomAD compares: Middle Eastern, 0.016%; no homozygotes.

Submission:

PreventionGenetics, part of Exact Sciences
Classification: Likely benign for KNL1-related condition. Last evaluated: 2021-09-15. Review status: no assertion criteria provided. Collection method: clinical testing. Allele origin: germline.
Comment: This variant is classified as likely benign based on ACMG/AMP sequence variant interpretation guidelines (Richards et al. 2015 PMID: 25741868, with internal and published modifications).

NM_144508.5(KNL1):c.4908G>A (p.Pro1636=)

Gene: KNL1 (kinetochore scaffold 1; plus strand). Cytogenetic location: 15q15.1.
Variant type: single nucleotide variant.
Coding change: c.4908G>A on transcript NM_144508.5 (MANE Select); coding-DNA position 4908, G replaced by A.
Protein change: p.Pro1636=; no amino-acid change (proline 1636 retained).
Molecular consequence: synonymous variant.
Genome position (GRCh38, 1-based): chr15:40,625,172, G>A. VCF-style: chr15-40625172-G-A. GRCh37 (hg19) VCF-style: chr15-40917370-G-A.
Other names: c.4986G>A, p.Pro1662= (NM_170589.5).
Identifiers: ClinVar variation 3056764 (VCV003056764.2), dbSNP rs745736623, ClinGen allele CA7483248.